The following is an entry in ClinVar:

ClinVar aggregate classification (germline): Uncertain significance. Review status: criteria provided, multiple submitters, no conflicts (2 of 4 stars). 4 submissions from 4 submitters: Uncertain significance (4). Last evaluated 2024-08-15.

Conditions:
Inborn genetic diseases. Identifiers: MedGen C0950123, MeSH D030342.

Allele frequency attached by ClinVar (database versions not stated): gnomAD 0.00014; 1000 Genomes Project 30x 0.00016; 1000 Genomes Project 0.00020; gnomAD exomes 0.00022 and 0.00024; TOPMed 0.00023; ExAC 0.00026.
gnomAD v4.1: 350 of 1,614,062 alleles (0.022%); highest among the groups gnomAD compares: Admixed American, 0.032%; no homozygotes.

Submissions (4):

Blueprint Genetics
Classification: Uncertain significance. Last evaluated: 2024-08-15. Review status: criteria provided, single submitter. Criteria: ACMG Guidelines, 2015. Collection method: clinical testing. Allele origin: germline.

Labcorp Genetics (formerly Invitae), Labcorp
Classification: Uncertain significance. Last evaluated: 2022-10-17. Review status: criteria provided, single submitter. Criteria: Invitae Variant Classification Sherloc (09022015). Collection method: clinical testing. Allele origin: germline.
Comment: This sequence change replaces methionine, which is neutral and non-polar, with valine, which is neutral and non-polar, at codon 387 of the TTLL5 protein (p.Met387Val). This variant is present in population databases (rs201783571, gnomAD 0.04%). This variant has not been reported in the literature in individuals affected with TTLL5-related conditions. ClinVar contains an entry for this variant (Variation ID: 939484). Advanced modeling of protein sequence and biophysical properties (such as structural, functional, and spatial information, amino acid conservation, physicochemical variation, residue mobility, and thermodynamic stability) has been performed at Invitae for this missense variant, however the output from this modeling did not meet the statistical confidence thresholds required to predict the impact of this variant on TTLL5 protein function. In summary, the available evidence is currently insufficient to determine the role of this variant in disease. Therefore, it has been classified as a Variant of Uncertain Significance.

Ambry Genetics
Classification: Uncertain significance for Inborn genetic diseases. Last evaluated: 2021-10-06. Review status: criteria provided, single submitter. Criteria: Ambry Variant Classification Scheme 2023. Collection method: clinical testing. Allele origin: germline.

Breakthrough Genomics
Classification: Uncertain significance. Review status: criteria provided, single submitter. Criteria: ACMG Guidelines, 2015. Collection method: not provided. Allele origin: germline. Inheritance: Autosomal recessive inheritance. Affected: yes.

NM_015072.5(TTLL5):c.1159A>G (p.Met387Val)

Gene: TTLL5 (tubulin tyrosine ligase like 5; plus strand). Cytogenetic location: 14q24.3.
Variant type: single nucleotide variant.
Coding change: c.1159A>G on transcript NM_015072.5 (MANE Select); coding-DNA position 1159, A replaced by G.
Protein change: p.Met387Val; replaces methionine 387 with valine.
Molecular consequence: missense variant.
Genome position (GRCh38, 1-based): chr14:75,734,023, A>G. VCF-style: chr14-75734023-A-G. GRCh37 (hg19) VCF-style: chr14-76200366-A-G.
Other names: short protein forms M387V.
Identifiers: ClinVar variation 939484 (VCV000939484.8), dbSNP rs201783571, ClinGen allele CA7279259.